The following is an entry in ClinVar:

NM_001421.4(ELF4):c.532+3_532+6del

Gene: ELF4 (E74 like ETS transcription factor 4; minus strand). Cytogenetic location: Xq26.1.
Variant type: Microsatellite.
Coding change: c.532+3_532+6del on transcript NM_001421.4 (MANE Select); bases 3 to 6 of the intron after coding-DNA position 532, 4 bases deleted (AAGT; older notation c.532+3_532+6delAAGT).
Molecular consequence: splice donor variant.
Genome position (GRCh38, 1-based): chrX:130,072,220-130,072,223, ACTT deleted on the plus strand (AAGT on the coding strand, the reverse complement: ELF4 is on the minus strand); deleting any 4 consecutive bases within chrX:130,072,220-130,072,227 gives the same sequence; the c. name uses the placement nearest the transcript's 3' end. VCF-style (leftmost placement, unchanged base first): chrX-130072219-CACTT-C. GRCh37 (hg19) VCF-style: chrX-129206194-CACTT-C.
Other names: c.532+3_532+6del (NM_001440766.1, NM_001440765.1, NM_001127197.2).
Identifiers: ClinVar variation 5042495 (VCV005042495.1).
Genomic context (GRCh38, chrX:130,072,219, plus strand): 5'-CTGACCGCCCCCCCACGCCCCGCCCATCCCCTCGGAGACACACATACACTCACTCTCCCC[CACTT>C]ACTTCTCTTCTTTGATTTCCCAGTCTTCTTGGCACTTTCCTCTCTGGAGGCCTTCTCCTC-3'

ClinVar aggregate classification (germline): Likely pathogenic (1 of 4 stars; one submission).

Submission:

GeneDx
Classification: Likely pathogenic. Last evaluated: 2024-07-01. Review status: criteria provided, single submitter. Criteria: GeneDx Variant Classification Process June 2021. Collection method: clinical testing. Allele origin: germline.
Comment: Not observed at significant frequency in large population cohorts (gnomAD); In silico analysis supports a deleterious effect on splicing; Has not been previously published as pathogenic or benign to our knowledge